The following is an entry in ClinVar:

ClinVar aggregate classification (germline): Pathogenic. Review status: reviewed by expert panel (3 of 4 stars). 30 submissions from 30 submitters: Pathogenic (1). 29 of the submissions do not count toward it. Last evaluated 2016-04-22.

Conditions:
Inherited breast cancer and ovarian cancer.
Hereditary cancer-predisposing syndrome. Also called: Hereditary neoplastic syndrome; Hereditary Cancer Syndrome; Tumor predisposition; Neoplastic Syndromes, Hereditary. Identifiers: Orphanet 140162, MedGen C0027672, MeSH D009386, MONDO:0015356.
BRCA2-related disorder. Also called: BRCA2-related condition; BRCA2-related disorders. Identifiers: MedGen CN239275.
Glioma susceptibility 3 (GLM3). Also called: Glioblastoma 3. Identifiers: Orphanet 182067, Orphanet 360, MedGen C2751641, MONDO:0013093, OMIM 613029.
Prostate cancer. Also called: Malignant tumor of prostate. Identifiers: Orphanet 1331, MedGen C0376358, MONDO:0008315, HP:0012125.
Breast-ovarian cancer, familial, susceptibility to, 2 (BROVCA2). Also called: BRCA2 Hereditary Breast and Ovarian Cancer. Identifiers: Orphanet 145, MedGen C2675520, MONDO:0012933, OMIM 612555. Disease mechanism: loss of function.
Wilms tumor 1 (WT1). Also called: Wilms tumor, somatic. Identifiers: Orphanet 654, MedGen CN033288, MONDO:0008679, OMIM 194070.
Medulloblastoma (MDB). Also called: MEDULLOBLASTOMA PREDISPOSITION SYNDROME; Medulloblastoma, somatic. Identifiers: Orphanet 616, MedGen C0025149, MeSH D008527, MONDO:0007959, OMIM 155255, HP:0002885.
Fanconi anemia complementation group D1. Also called: BRCA2-Related Fanconi Anemia. Identifiers: Orphanet 319462, MedGen C1838457, MONDO:0011584, OMIM 605724.
Familial cancer of breast. Also called: Hereditary breast cancer; hereditary breast carcinoma; BREAST CANCER, FAMILIAL. Identifiers: Orphanet 227535, MedGen C0346153, MONDO:0016419, OMIM 114480. Disease mechanism: loss of function.
Pancreatic cancer, susceptibility to, 2. Identifiers: Orphanet 1333, MedGen C3150546, MONDO:0013235, OMIM 613347.
Hereditary breast ovarian cancer syndrome. Also called: Breast and ovarian cancer; Hereditary breast and/or ovarian cancer syndrome; Hereditary breast and ovarian cancer; Hereditary breast and ovarian cancer syndrome; BRCA1- and BRCA2-Associated Hereditary Breast and Ovarian Cancer; Hereditary breast and ovarian cancer syndrome (HBOC). Identifiers: Orphanet 145, MedGen C0677776, MeSH D061325, MONDO:0003582. Disease mechanism: loss of function.
Breast-ovarian cancer, familial, susceptibility to, 1 (BROVCA1). Also called: BRCA1 Hereditary Breast and Ovarian Cancer; OVARIAN CANCER, SUSCEPTIBILITY TO. Identifiers: Orphanet 145, MedGen C2676676, MONDO:0011450, OMIM 604370. Disease mechanism: loss of function.

Allele frequency attached by ClinVar (database versions not stated): gnomAD exomes 0.00001; gnomAD 0.00001; TOPMed 0.00001.

Submissions 1 to 9 of 30:

Evidence-based Network for the Interpretation of Germline Mutant Alleles (ENIGMA)
Classification: Pathogenic for Breast-ovarian cancer, familial, susceptibility to, 2. Last evaluated: 2016-04-22. Review status: reviewed by expert panel. Criteria: ENIGMA BRCA1/2 Classification Criteria (2015). Collection method: curation. Allele origin: germline.
Comment: Variant allele predicted to encode a truncated non-functional protein.

Genetics Laboratory, Great Ormond Street Hospital NHS Foundation Trust, North Thames Genomic Laboratory Hub
Classification: Pathogenic for Inherited breast cancer and ovarian cancer. Last evaluated: 2026-05-26. Review status: criteria provided, single submitter. Criteria: CanVIG BRCA Gene Specific V1.22. Collection method: clinical testing. Allele origin: germline. Affected: yes. Not counted in ClinVar's aggregate classification.
Comment: PS4_supporting, PM2_supporting, PVS1_very-strong, PM5_strong

Labcorp Genetics (formerly Invitae), Labcorp
Classification: Pathogenic for Hereditary breast ovarian cancer syndrome. Last evaluated: 2026-01-12. Review status: criteria provided, single submitter. Criteria: Invitae Variant Classification Sherloc (09022015). Collection method: clinical testing. Allele origin: germline. Not counted in ClinVar's aggregate classification.
Comment: This sequence change creates a premature translational stop signal (p.Thr2766Asnfs*11) in the BRCA2 gene. It is expected to result in an absent or disrupted protein product. Loss-of-function variants in BRCA2 are known to be pathogenic (PMID: 20104584). This variant is not present in population databases (gnomAD no frequency). This premature translational stop signal has been observed in individual(s) with breast, ovarian and/or prostate cancer (PMID: 8589730, 10682686, 12960223, 20736950, 23028338, 25085752, 26681312). This variant is also known as 8525delC. ClinVar contains an entry for this variant (Variation ID: 38149). For these reasons, this variant has been classified as Pathogenic.

PreventionGenetics, part of Exact Sciences
Classification: Pathogenic for BRCA2-related condition. Last evaluated: 2026-01-10. Review status: criteria provided, single submitter. Criteria: ACMG Guidelines, 2015. Collection method: clinical testing. Allele origin: germline. Not counted in ClinVar's aggregate classification.
Comment: The BRCA2 c.8297delC variant is predicted to result in a frameshift and premature protein termination (p.Thr2766Asnfs*11). This variant (also known as 8525delC) has been reported in individuals with breast, ovarian, or prostate cancer (Table 1, Tavtigian et al. 1996. PubMed ID: 8589730; Table 1, Edwards et al. 2003. PubMed ID: 12474142; Table 1, Edwards et al. 2010. PubMed ID: 20736950, Table 2, Wong-Brown et al. 2015. PubMed ID: 25682074; Table S7, Lilyquist et al. 2017. PubMed ID: 28888541). This variant has not been reported in a large population database (gnomAD), indicating this variant is rare. This variant is interpreted by the Evidence-based Network for the Interpretation of Germline Mutant Alleles (ENIGMA) expert panel as pathogenic in ClinVar (Variation ID: 38149). Frameshift variants in BRCA2 are expected to be pathogenic. This variant is interpreted as pathogenic.

Genetic Services Laboratory, University of Chicago
Classification: Pathogenic. Last evaluated: 2025-05-13. Review status: criteria provided, single submitter. Criteria: ACMG Guidelines, 2015. Collection method: clinical testing. Allele origin: germline. Not counted in ClinVar's aggregate classification.
Comment: The c.8297del variant: Is a single base pair deletion in exon 18. Results in an amino acid frameshift and creates a premature stop codon 10 amino acids downstream of the change, p.Thr2766Asnfs*11. Predicted to result in an abnormal transcript, which may be degraded, or may lead to the production of a truncated BRCA2 protein with potentially abnormal function. Has been previously described in several individuals with BRCA2-related cancers (PMID: 8589730, 32853339, 12474142, 20736950, 28888541). Is reported in the gnomAD v4 database with a frequency of 0.001% in the global population (dbSNP rs80359705). ClinVar contains an entry for this variant (Variation ID: 38149). Collectively this evidence indicates that this variant is pathogenic; however functional studies have not been performed to prove this conclusively.

Color Diagnostics, LLC DBA Color Health
Classification: Pathogenic for Hereditary cancer-predisposing syndrome. Last evaluated: 2025-03-04. Review status: criteria provided, single submitter. Criteria: ACMG Guidelines, 2015. Collection method: clinical testing. Allele origin: germline. Not counted in ClinVar's aggregate classification.
Comment: This variant deletes 1 nucleotide in exon 18 of the BRCA2 gene, creating a frameshift and premature translation stop signal. This variant is expected to result in an absent or non-functional protein product. This variant has been reported in 9 individuals affected with breast or ovarian cancer (PMID: 10682686, 12960223, 23146383, 25682074, 26681312, 26845104, 33471991), 3 individuals affected with prostate cancer (PMID: 20736950, 23569316), and 1 unaffected individual (PMID: 33471991). This variant has been identified in 70 families among the CIMBA participants (PMID: 29446198). A multifactorial analysis has reported a likelihood ratio for pathogenicity based on personal and family history of 97.89 from log(LR)=1.990739107 for 13 carriers (PMID: 31853058). This variant has not been identified in the general population by the Genome Aggregation Database (gnomAD). Loss of BRCA2 function is a known mechanism of disease. Based on the available evidence, this variant is classified as Pathogenic.

Ambry Genetics
Classification: Pathogenic for Hereditary cancer-predisposing syndrome. Last evaluated: 2024-12-23. Review status: criteria provided, single submitter. Criteria: Ambry Variant Classification Scheme 2023. Collection method: clinical testing. Allele origin: germline. Not counted in ClinVar's aggregate classification.
Comment: The c.8297delC pathogenic mutation, located in coding exon 17 of the BRCA2 gene, results from a deletion of one nucleotide at nucleotide position 8297, causing a translational frameshift with a predicted alternate stop codon (p.T2766Nfs*11). This mutation was reported in one family with multiple cases of female and male breast cancer and ovarian cancer (Tavtigian SV et al. Nat. Genet. 1996 Mar;12:333-7). This alteration has also been reported in multiple men diagnosed with prostate cancer before the age of 55 (Edwards SM et al. Br. J. Cancer. 2010 Sep;103:918-24; Willems-Jones A et al. BJU Int. 2012 Dec;110:E1181-6; Castro E et al. J. Clin. Oncol. 2013 May;31:1748-57). Of note, this alteration is also designated as 8525delC in published literature. In addition to the clinical data presented in the literature, this alteration is expected to result in loss of function by premature protein truncation or nonsense-mediated mRNA decay. As such, this alteration is interpreted as a disease-causing mutation.

Blueprint Genetics
Classification: Pathogenic for BRCA2-related disorders. Last evaluated: 2024-08-29. Review status: criteria provided, single submitter. Criteria: ACMG Guidelines, 2015. Collection method: clinical testing. Allele origin: germline. Affected: yes. Observed: 4 variant alleles. Not counted in ClinVar's aggregate classification.

Baylor Genetics
Classification: Pathogenic for Familial cancer of breast. Last evaluated: 2024-02-12. Review status: criteria provided, single submitter. Criteria: ACMG Guidelines, 2015. Collection method: clinical testing. Allele origin: unknown. Not counted in ClinVar's aggregate classification.

NM_000059.4(BRCA2):c.8297del (p.Thr2766fs)

Gene: BRCA2 (BRCA2 DNA repair associated; plus strand). Cytogenetic location: 13q13.1.
Variant type: Deletion.
Coding change: c.8297del on transcript NM_000059.4 (MANE Select); coding-DNA position 8297, one base deleted (C; older notation c.8297delC).
Protein change: p.Thr2766fs; shifts the reading frame from threonine 2766.
Molecular consequence: frameshift variant.
Genome position (GRCh38, 1-based): chr13:32,363,499, C deleted. VCF-style (leftmost placement, unchanged base first): chr13-32363498-AC-A. GRCh37 (hg19) VCF-style: chr13-32937635-AC-A.
Other names: 8525delC; c.8297delC (NM_000059.3).
Identifiers: ClinVar variation 38149 (VCV000038149.52), dbSNP rs80359705, ClinGen allele CA025553.